The following is an entry in ClinVar:

ClinVar aggregate classification (germline): Uncertain significance (1 of 4 stars; one submission).

Conditions:
CBFB-related disorder. Also called: CBFB-related condition.

Submission:

PreventionGenetics, part of Exact Sciences
Classification: Uncertain significance for CBFB-related condition. Last evaluated: 2023-10-03. Review status: criteria provided, single submitter. Criteria: ACMG Guidelines, 2015. Collection method: clinical testing. Allele origin: germline.
Comment: The CBFB c.90_102del13 variant is predicted to result in a frameshift and premature protein termination (p.Phe32Profs*53). To our knowledge, this variant has not been reported in the literature or in a large population database, indicating this variant is rare. Of note, loss of function variants in CBFB have not commonly been reported in the literature. Although we suspect that this variant may be pathogenic, at this time, the clinical significance of this variant is uncertain due to the absence of conclusive functional and genetic evidence.

NM_022845.3(CBFB):c.90_102del (p.Phe32fs)

Gene: CBFB (core-binding factor subunit beta; plus strand). Cytogenetic location: 16q22.1.
Variant type: Deletion.
Coding change: c.90_102del on transcript NM_022845.3 (MANE Select); coding-DNA positions 90 to 102, 13 bases deleted (GGGCTTCAGGGAC).
Protein change: p.Phe32fs; shifts the reading frame from phenylalanine 32.
Molecular consequence: frameshift variant.
Genome position (GRCh38, 1-based): chr16:67,029,738-67,029,750, GGGCTTCAGGGAC deleted; deleting any 13 consecutive bases within chr16:67,029,736-67,029,750 gives the same sequence; the c. name uses the placement nearest the transcript's 3' end. VCF-style (leftmost placement, unchanged base first): chr16-67029735-CACGGGCTTCAGGG-C. GRCh37 (hg19) VCF-style: chr16-67063638-CACGGGCTTCAGGG-C.
Other names: c.90_102del, p.Phe32fs (NM_001368707.1, NM_001368708.1, NM_001368709.1 and 2 more transcripts); short protein forms F32fs.
Identifiers: ClinVar variation 2631101 (VCV002631101.1), dbSNP rs2544398133, ClinGen allele CA2695197664.